The following is an entry in ClinVar:

NM_001165963.4(SCN1A):c.4088T>C (p.Ile1363Thr)

Genes: SCN1A (sodium voltage-gated channel alpha subunit 1; minus strand), LOC102724058 (uncharacterized LOC102724058; plus strand). Cytogenetic location: 2q24.3.
Variant type: single nucleotide variant.
Coding change: c.4088T>C on transcript NM_001165963.4 (MANE Select); coding-DNA position 4088, T replaced by C.
Protein change: p.Ile1363Thr; replaces isoleucine 1363 with threonine.
Molecular consequence: missense variant. On other transcripts: non-coding transcript variant (1).
Genome position (GRCh38, 1-based): chr2:166,002,668, A>G on the plus strand (T>C on the coding strand, the complement: SCN1A is on the minus strand). VCF-style: chr2-166002668-A-G. GRCh37 (hg19) VCF-style: chr2-166859178-A-G.
Other names: c.4004T>C, p.Ile1335Thr (NM_001165964.3, NM_001353957.2, NM_001353958.2); c.4088T>C, p.Ile1363Thr (NM_001202435.3, NM_001353948.2); c.4055T>C, p.Ile1352Thr (NM_001353949.2, NM_001353950.2, NM_001353951.2 and 2 more transcripts); c.4052T>C, p.Ile1351Thr (NM_001353954.2, NM_001353955.2); c.4001T>C, p.Ile1334Thr (NM_001353960.2); c.1646T>C, p.Ile549Thr (NM_001353961.2); short protein forms I1334T, I1335T, I1351T, I1352T, I1363T, I549T.
Identifiers: ClinVar variation 1719724 (VCV001719724.5), dbSNP rs794726707, ClinGen allele CA349050505.
Genomic context (GRCh38, chr2:166,002,668, plus strand): 5'-TCACCAGTTGTGGTGTTAATACAGTGGTAGAATTTGCCAGCAAACAAATTTACGCCCATG[A>G]TGCTGAAAATTAGCCAGAATATAAGACAAACCAGAAGCACATTCATGATGGATGGAATTG-3'
Protein context (NP_001159435.1, residues 1353-1373): VCLIFWLIFS[Ile1363Thr]MGVNLFAGKF

ClinVar aggregate classification (germline): Uncertain significance (1 of 4 stars; one submission).

Conditions:
Early-infantile DEE. Also called: Early infantile epileptic encephalopathy with suppression bursts; Early infantile epileptic encephalopathy; Ohtahara syndrome. Identifiers: Orphanet 1934, MedGen C0393706, MONDO:0800491.

Submission:

Labcorp Genetics (formerly Invitae), Labcorp
Classification: Uncertain significance for Early-infantile DEE. Last evaluated: 2025-04-02. Review status: criteria provided, single submitter. Criteria: Invitae Variant Classification Sherloc (09022015). Collection method: clinical testing. Allele origin: germline.
Comment: This sequence change replaces isoleucine, which is neutral and non-polar, with threonine, which is neutral and polar, at codon 1363 of the SCN1A protein (p.Ile1363Thr). This variant is not present in population databases (gnomAD no frequency). This variant has not been reported in the literature in individuals affected with SCN1A-related conditions. ClinVar contains an entry for this variant (Variation ID: 1719724). Invitae Evidence Modeling of protein sequence and biophysical properties (such as structural, functional, and spatial information, amino acid conservation, physicochemical variation, residue mobility, and thermodynamic stability) indicates that this missense variant is expected to disrupt SCN1A protein function with a positive predictive value of 95%. In summary, the available evidence is currently insufficient to determine the role of this variant in disease. Therefore, it has been classified as a Variant of Uncertain Significance.